The following is an entry in ClinVar:

NM_018451.5(CPAP):c.2825+5G>A

Gene: CPAP (centrosome assembly and centriole elongation protein; minus strand). Cytogenetic location: 13q12.13.
Variant type: single nucleotide variant.
Coding change: c.2825+5G>A on transcript NM_018451.5 (MANE Select); 5 bases into the intron after coding-DNA position 2825, G replaced by A.
Molecular consequence: intron variant.
Genome position (GRCh38, 1-based): chr13:24,903,921, C>T on the plus strand (G>A on the coding strand, the complement: CPAP is on the minus strand). VCF-style: chr13-24903921-C-T. GRCh37 (hg19) VCF-style: chr13-25478059-C-T.
Identifiers: ClinVar variation 4282420 (VCV004282420.1).
Genomic context (GRCh38, chr13:24,903,921, plus strand): 5'-AGATGGTCTTAAAGGTATAACTGAGTCACTGCATATTTTTTCCCAACTTACAGACCCAAA[C>T]GTACCTGAGTTTTTCCAAGGCACTTTCTCGTTCAATGCGAAGTTTAGCTAAAGATGCGTT-3'

ClinVar aggregate classification (germline): Uncertain significance (1 of 4 stars; one submission).

gnomAD v4.1: 27 of 1,613,914 alleles (0.0017%); highest among the groups gnomAD compares: Middle Eastern, 0.016%; no homozygotes.

Submission:

GeneDx
Classification: Uncertain significance. Last evaluated: 2025-04-07. Review status: criteria provided, single submitter. Criteria: GeneDx Variant Classification Process June 2021. Collection method: clinical testing. Allele origin: germline. Affected: yes.
Comment: Not observed at significant frequency in large population cohorts (gnomAD); Has not been previously published as pathogenic or benign to our knowledge; In silico analysis is inconclusive as to whether the variant alters gene splicing. In the absence of RNA/functional studies, the actual effect of this sequence change is unknown.